The following is an entry in ClinVar:

NM_020461.4(TUBGCP6):c.4291T>C (p.Tyr1431His)

Gene: TUBGCP6 (tubulin gamma complex component 6; minus strand). Cytogenetic location: 22q13.33.
Variant type: single nucleotide variant.
Coding change: c.4291T>C on transcript NM_020461.4 (MANE Select); coding-DNA position 4291, T replaced by C.
Protein change: p.Tyr1431His; replaces tyrosine 1431 with histidine.
Molecular consequence: missense variant.
Genome position (GRCh38, 1-based): chr22:50,219,668, A>G on the plus strand (T>C on the coding strand, the complement: TUBGCP6 is on the minus strand). VCF-style: chr22-50219668-A-G. GRCh37 (hg19) VCF-style: chr22-50658097-A-G.
Other names: short protein forms Y1431H.
Identifiers: ClinVar variation 2002348 (VCV002002348.4), dbSNP rs2519127994, ClinGen allele CA412174797.

ClinVar aggregate classification (germline): Uncertain significance (1 of 4 stars; one submission).

Submission:

Labcorp Genetics (formerly Invitae), Labcorp
Classification: Uncertain significance. Last evaluated: 2022-06-03. Review status: criteria provided, single submitter. Criteria: Invitae Variant Classification Sherloc (09022015). Collection method: clinical testing. Allele origin: germline.
Comment: In summary, the available evidence is currently insufficient to determine the role of this variant in disease. Therefore, it has been classified as a Variant of Uncertain Significance. Algorithms developed to predict the effect of missense changes on protein structure and function are either unavailable or do not agree on the potential impact of this missense change (SIFT: "Tolerated"; PolyPhen-2: "Probably Damaging"; Align-GVGD: "Class C0"). This variant has not been reported in the literature in individuals affected with TUBGCP6-related conditions. This variant is not present in population databases (gnomAD no frequency). This sequence change replaces tyrosine, which is neutral and polar, with histidine, which is basic and polar, at codon 1431 of the TUBGCP6 protein (p.Tyr1431His).